The following is an entry in ClinVar:

NM_002618.4(PEX13):c.1027G>A (p.Val343Met)

Gene: PEX13 (peroxisomal biogenesis factor 13; plus strand). Cytogenetic location: 2p15.
Variant type: single nucleotide variant.
Coding change: c.1027G>A on transcript NM_002618.4 (MANE Select); coding-DNA position 1027, G replaced by A.
Protein change: p.Val343Met; replaces valine 343 with methionine.
Molecular consequence: missense variant.
Genome position (GRCh38, 1-based): chr2:61,048,585, G>A. VCF-style: chr2-61048585-G-A. GRCh37 (hg19) VCF-style: chr2-61275720-G-A.
Other names: short protein forms V343M.
Identifiers: ClinVar variation 1035786 (VCV001035786.7), dbSNP rs1680746493, ClinGen allele CA346949825.
Genomic context (GRCh38, chr2:61,048,585, plus strand): 5'-ACAGGACTTATACCTGCGAATTATGTCAAAATTCTTGGCAAAAGAAAAGGTAGGAAAACG[G>A]TGGAATCAAGTAAAGTTTCCAAGCAGCAACAATCTTTTACCAACCCAACACTAACTAAAG-3'
Protein context (NP_002609.1, residues 333-353): ILGKRKGRKT[Val343Met]ESSKVSKQQQ

ClinVar aggregate classification (germline): Uncertain significance (1 of 4 stars; one submission).

Conditions:
Peroxisome biogenesis disorder 11A (Zellweger). Also called: Peroxisome biogenesis disorder 11A. Identifiers: Orphanet 912, MedGen C3554000, MONDO:0013949, OMIM 614883.

Submission:

Labcorp Genetics (formerly Invitae), Labcorp
Classification: Uncertain significance for Peroxisome biogenesis disorder 11A (Zellweger). Last evaluated: 2024-12-21. Review status: criteria provided, single submitter. Criteria: Invitae Variant Classification Sherloc (09022015). Collection method: clinical testing. Allele origin: germline.
Comment: This sequence change replaces valine, which is neutral and non-polar, with methionine, which is neutral and non-polar, at codon 343 of the PEX13 protein (p.Val343Met). This variant is not present in population databases (gnomAD no frequency). This variant has not been reported in the literature in individuals affected with PEX13-related conditions. ClinVar contains an entry for this variant (Variation ID: 1035786). Invitae Evidence Modeling of protein sequence and biophysical properties (such as structural, functional, and spatial information, amino acid conservation, physicochemical variation, residue mobility, and thermodynamic stability) indicates that this missense variant is not expected to disrupt PEX13 protein function with a negative predictive value of 80%. In summary, the available evidence is currently insufficient to determine the role of this variant in disease. Therefore, it has been classified as a Variant of Uncertain Significance.